The following is an entry in ClinVar:

NM_001199138.2(NLRC4):c.2111T>C (p.Leu704Pro)

Gene: NLRC4 (NLR family CARD domain containing 4; minus strand). Cytogenetic location: 2p22.3.
Variant type: single nucleotide variant.
Coding change: c.2111T>C on transcript NM_001199138.2 (MANE Select); coding-DNA position 2111, T replaced by C.
Protein change: p.Leu704Pro; replaces leucine 704 with proline.
Molecular consequence: missense variant. On other transcripts: intron variant (1).
Genome position (GRCh38, 1-based): chr2:32,249,753, A>G on the plus strand (T>C on the coding strand, the complement: NLRC4 is on the minus strand). VCF-style: chr2-32249753-A-G. GRCh37 (hg19) VCF-style: chr2-32474822-A-G.
Other names: c.2111T>C, p.Leu704Pro (NM_001199139.2, NM_021209.5); c.262+2666T>C (NM_001302504.1); short protein forms L704P.
Identifiers: ClinVar variation 2941624 (VCV002941624.3), dbSNP rs199668764, ClinGen allele CA44751311.
Genomic context (GRCh38, chr2:32,249,753, plus strand): 5'-AGGGGACTGGCTTCCACCATGAGAGAATAAATGTTCTTACAGGTGCTGAGGACCAAACTG[A>G]GGCTTCCAGCCACACCAGCACATCTCTTTATTTGCAGCCTGAGGCTTGTGGCAGAGCTGA-3'
Protein context (NP_001186067.1, residues 694-714): IKRCAGVAGS[Leu704Pro]SLVLSTCKNI

ClinVar aggregate classification (germline): Uncertain significance (1 of 4 stars; one submission).

Conditions:
Periodic fever-infantile enterocolitis-autoinflammatory syndrome. Also called: Autoinflammation with infantile enterocolitis. Identifiers: Orphanet 436166, MedGen C4015067, MONDO:0014472, OMIM 616050.
Familial cold autoinflammatory syndrome 4 (FCAS4). Identifiers: Orphanet 47045, Orphanet 576349, MedGen C4015276, MONDO:0014498, OMIM 616115.

Submission:

Labcorp Genetics (formerly Invitae), Labcorp
Classification: Uncertain significance for Periodic fever-infantile enterocolitis-autoinflammatory syndrome; Familial cold autoinflammatory syndrome 4. Last evaluated: 2024-11-04. Review status: criteria provided, single submitter. Criteria: Invitae Variant Classification Sherloc (09022015). Collection method: clinical testing. Allele origin: germline.
Comment: This sequence change replaces leucine, which is neutral and non-polar, with proline, which is neutral and non-polar, at codon 704 of the NLRC4 protein (p.Leu704Pro). This variant is not present in population databases (gnomAD no frequency). This variant has not been reported in the literature in individuals affected with NLRC4-related conditions. ClinVar contains an entry for this variant (Variation ID: 2941624). Invitae Evidence Modeling of protein sequence and biophysical properties (such as structural, functional, and spatial information, amino acid conservation, physicochemical variation, residue mobility, and thermodynamic stability) indicates that this missense variant is expected to disrupt NLRC4 protein function with a positive predictive value of 80%. In summary, the available evidence is currently insufficient to determine the role of this variant in disease. Therefore, it has been classified as a Variant of Uncertain Significance.